The following is an entry in ClinVar:

NM_000416.3(IFNGR1):c.1321G>A (p.Glu441Lys)

Gene: IFNGR1 (interferon gamma receptor 1; minus strand). Cytogenetic location: 6q23.3.
Variant type: single nucleotide variant.
Coding change: c.1321G>A on transcript NM_000416.3 (MANE Select); coding-DNA position 1321, G replaced by A.
Protein change: p.Glu441Lys; replaces glutamic acid 441 with lysine.
Molecular consequence: missense variant.
Genome position (GRCh38, 1-based): chr6:137,198,180, C>T on the plus strand (G>A on the coding strand, the complement: IFNGR1 is on the minus strand). VCF-style: chr6-137198180-C-T. GRCh37 (hg19) VCF-style: chr6-137519317-C-T.
Other names: c.1291G>A, p.Glu431Lys (NM_001363526.1); c.1198G>A, p.Glu400Lys (NM_001363527.1); short protein forms E400K, E431K, E441K.
Identifiers: ClinVar variation 1435112 (VCV001435112.8), dbSNP rs373865269, ClinGen allele CA4018773.

ClinVar aggregate classification (germline): Uncertain significance (1 of 4 stars; one submission).

Conditions:
Disseminated atypical mycobacterial infection. Identifiers: MedGen C0694566.

Allele frequency attached by ClinVar (database versions not stated): ExAC 0.00002; gnomAD exomes 0.00002 and 0.00007; gnomAD 0.00003; TOPMed 0.00004; ESP Exome Variant Server 0.00008.
gnomAD v4.1: 110 of 1,613,998 alleles (0.0068%); highest among the groups gnomAD compares: Non-Finnish European, 0.0089%; no homozygotes.

Submission:

Labcorp Genetics (formerly Invitae), Labcorp
Classification: Uncertain significance for Disseminated atypical mycobacterial infection. Last evaluated: 2021-02-11. Review status: criteria provided, single submitter. Criteria: Invitae Variant Classification Sherloc (09022015). Collection method: clinical testing. Allele origin: germline.
Comment: In summary, the available evidence is currently insufficient to determine the role of this variant in disease. Therefore, it has been classified as a Variant of Uncertain Significance. Algorithms developed to predict the effect of missense changes on protein structure and function (SIFT, PolyPhen-2, Align-GVGD) all suggest that this variant is likely to be tolerated, but these predictions have not been confirmed by published functional studies and their clinical significance is uncertain. This variant has not been reported in the literature in individuals with IFNGR1-related conditions. This variant is present in population databases (rs373865269, ExAC 0.01%). This sequence change replaces glutamic acid with lysine at codon 441 of the IFNGR1 protein (p.Glu441Lys). The glutamic acid residue is weakly conserved and there is a small physicochemical difference between glutamic acid and lysine.